The following is an entry in ClinVar:

ClinVar aggregate classification (germline): Benign/Likely benign. Review status: criteria provided, multiple submitters, no conflicts (2 of 4 stars). 5 submissions from 5 submitters: Benign (1); Likely benign (2). 2 of the submissions do not count toward it. Last evaluated 2026-04-01.

Conditions:
AIRE-related disorder. Also called: AIRE-related condition.
Polyglandular autoimmune syndrome, type 1 (APS1). Also called: APS I; HYPOADRENOCORTICISM WITH HYPOPARATHYROIDISM AND SUPERFICIAL MONILIASIS; PGA I; Whitaker syndrome; AUTOIMMUNE POLYENDOCRINE SYNDROME, TYPE I, WITH OR WITHOUT REVERSIBLE METAPHYSEAL DYSPLASIA; Autoimmune polyendocrinopathy syndrome , type I, with or without reversible metaphyseal dysplasia. Identifiers: Orphanet 3453, MedGen C0085859, MONDO:0009411, OMIM 240300.

Allele frequency attached by ClinVar (database versions not stated): gnomAD exomes 0.00005 and 0.00017; ExAC 0.00022; 1000 Genomes Project 30x 0.00031; 1000 Genomes Project 0.00040; gnomAD 0.00063 and 0.00069; TOPMed 0.00065; ESP Exome Variant Server 0.00078.
gnomAD v4.1: 175 of 1,612,434 alleles (0.011%); highest among the groups gnomAD compares: African/African-American, 0.2%; 1 homozygote.

Submissions (5):

CeGaT Center for Human Genetics Tuebingen
Classification: Likely benign. Last evaluated: 2026-04-01. Review status: criteria provided, single submitter. Criteria: CeGaT Center For Human Genetics Tuebingen Variant Classification Criteria Version 2. Collection method: clinical testing. Allele origin: germline. Affected: yes. Observed: 1 variant allele.
Comment: AIRE: BP4, BP7

Labcorp Genetics (formerly Invitae), Labcorp
Classification: Benign for Polyglandular autoimmune syndrome, type 1. Last evaluated: 2026-01-24. Review status: criteria provided, single submitter. Criteria: Invitae Variant Classification Sherloc (09022015). Collection method: clinical testing. Allele origin: germline.

Blueprint Genetics
Classification: Likely benign. Last evaluated: 2024-03-01. Review status: criteria provided, single submitter. Criteria: ACMG Guidelines, 2015. Collection method: clinical testing. Allele origin: germline.

Natera, Inc.
Classification: Uncertain significance for Polyglandular autoimmune syndrome type 1. Last evaluated: 2020-04-20. Review status: no assertion criteria provided. Collection method: clinical testing. Allele origin: germline. Not counted in ClinVar's aggregate classification.

PreventionGenetics, part of Exact Sciences
Classification: Likely benign for AIRE-related condition. Last evaluated: 2019-09-17. Review status: no assertion criteria provided. Collection method: clinical testing. Allele origin: germline. Not counted in ClinVar's aggregate classification.
Comment: This variant is classified as likely benign based on ACMG/AMP sequence variant interpretation guidelines (Richards et al. 2015 PMID: 25741868, with internal and published modifications).

NM_000383.4(AIRE):c.447G>A (p.Arg149=)

Gene: AIRE (autoimmune regulator; plus strand). Cytogenetic location: 21q22.3.
Variant type: single nucleotide variant.
Coding change: c.447G>A on transcript NM_000383.4 (MANE Select); coding-DNA position 447, G replaced by A.
Protein change: p.Arg149=; no amino-acid change (arginine 149 retained).
Molecular consequence: synonymous variant.
Genome position (GRCh38, 1-based): chr21:44,287,117, G>A. VCF-style: chr21-44287117-G-A. GRCh37 (hg19) VCF-style: chr21-45707000-G-A.
Identifiers: ClinVar variation 724167 (VCV000724167.16), dbSNP rs374704178, ClinGen allele CA10051558.